The following continues an entry in ClinVar:

NM_001370658.1(BTD):c.1270G>C (p.Asp424His)

Gene: BTD. ClinVar aggregate classification (germline): Conflicting classifications of pathogenicity. Pathogenic (45); Likely pathogenic (7); Uncertain significance (1).

Submissions 37 to 54 of 61:

Laboratorio de Genetica e Diagnostico Molecular, Hospital Israelita Albert Einstein
Classification: Pathogenic for Biotinidase deficiency. Last evaluated: 2021-04-15. Review status: criteria provided, single submitter. Criteria: ACMG Guidelines, 2015. Collection method: clinical testing. Allele origin: germline.
Comment: ACMG classification criteria: PS3, PM3, PP3, PP4

Clinical Genomics Laboratory, Stanford Medicine
Classification: Pathogenic for Biotinidase deficiency. Last evaluated: 2021-03-08. Review status: criteria provided, single submitter. Criteria: ACMG Guidelines, 2015. Collection method: clinical testing. Allele origin: germline. Inheritance: Autosomal recessive inheritance. Affected: yes. Observed: 1 compound heterozygote.
Comment: The p.Asp424His variant (also reported as p.Asp444His in the literature) in the BTD gene is a well reported cause of partial biotinidase deficiency (Canda et al., 2018; Swango et al., 1998). This variant in the homozygous state does not cause biotinidase deficiency; however, this variant in conjunction with another profound disease-causing variant is a common cause of partial biotinidase deficiency. This variant has been reported in individuals affected with profound biotinidase deficiency when this variant is in cis with the p.Ala171Thr variant and in trans with a third variant. The p.Asp424His variant was determined to be in trans with multiple pathogenic variants (including p.Cys33Phefs*36), consistent with autosomal recessive inheritance. The presence of this variant with a disease-causing variant on the opposite allele increases suspicion for its pathogenicity. The p.Asp424His variant has also been identified in 5,119/129,150 European chromosomes by the Genome Aggregation Database. Although this variant has been seen in the general population, its frequency is consistent with a recessive carrier frequency for a mild allele. Well-established in vitro functional studies and patient assays of the p.Asp424His variant demonstrate reduced enzymatic activity that is sufficient to be disease-causing (Liu et al., 2018; Swango et al., 1998). Computational tools predict that this variant is deleterious; however, the accuracy of in silico algorithms is limited. These data were assessed using the ACMG/AMP variant interpretation guidelines. In summary, there is sufficient evidence to classify the p.Asp424His variant as pathogenic for autosomal recessive biotinidase deficiency based on the information above. [ACMG evidence codes used: PS3; PM3_strong; PP3; PP4]

New York Genome Center
Classification: Pathogenic for Biotinidase deficiency. Last evaluated: 2021-03-01. Review status: criteria provided, single submitter. Criteria: NYGC Assertion Criteria 2020. Collection method: clinical testing. Allele origin: inherited, germline. Observed: 2 heterozygotes. Clinical features observed: Global developmental delay (HP:0001263), Frontal bossing (HP:0002007), Fetal growth restriction (HP:0001511), Hypotonia (HP:0001252), Failure to thrive (HP:0001508), Absent speech (HP:0001344), Seizure (HP:0001250), Intellectual disability (HP:0001249). Study: CSER-NYCKidSeq.

Institute of Medical Genetics and Applied Genomics, University Hospital Tübingen
Classification: Pathogenic. Last evaluated: 2020-10-23. Review status: criteria provided, single submitter. Criteria: ACMG Guidelines, 2015. Collection method: clinical testing. Allele origin: germline. Inheritance: Unknown mechanism. Affected: yes.

Elsea Laboratory, Baylor College of Medicine
Classification: Uncertain significance for Biotinidase deficiency. Last evaluated: 2020-04-01. Review status: criteria provided, single submitter. Criteria: ACMG Guidelines, 2015. Collection method: clinical testing. Allele origin: maternal. Affected: no.

Mendelics
Classification: Pathogenic for Biotinidase deficiency. Last evaluated: 2019-05-28. Review status: criteria provided, single submitter. Criteria: Mendelics Assertion Criteria 2017. Collection method: clinical testing. Allele origin: unknown.

Knight Diagnostic Laboratories, Oregon Health and Sciences University
Classification: Pathogenic for Biotinidase deficiency. Last evaluated: 2018-09-13. Review status: criteria provided, single submitter. Criteria: ACMG Guidelines, 2015. Collection method: clinical testing. Allele origin: germline. Observed: 6 variant alleles.

Fulgent Genetics
Classification: Likely pathogenic for Biotinidase deficiency. Last evaluated: 2017-05-18. Review status: criteria provided, single submitter. Criteria: ACMG Guidelines, 2015. Collection method: clinical testing. Allele origin: unknown.

Illumina Laboratory Services, Illumina
Classification: Pathogenic for Biotinidase deficiency. Last evaluated: 2017-04-27. Review status: criteria provided, single submitter. Criteria: ICSL Variant Classification Criteria 09 May 2019. Collection method: clinical testing. Allele origin: germline.
Comment: The BTD c.1330G>C (p.Asp444His) variant has been reported as the most common variant found in newborns screened for profound biotinidase deficiency. However, in individuals with profound biotinidase deficiency, the variant is usually found in cis with one of three additional variants (Norrgard et al. 1999). In the studies by Norrgard et al. (1998; 1999), 14 of 31 children with biotinidase deficiency carried both the p.Asp444His and the p.Ala171Thr variants in cis. This double variant allele has been identified as the second most common allele in newborns screened for biotinidase deficiency. The combination of the two variants resulted in approximately 52% enzyme loss. In control populations, 23 of 296 healthy individuals were identified with the p.Asp444His variant versus none of 376 with the p.Ala171Thr variant. The p.Asp444His variant alone is reported to be the most common cause of partial biotinidase deficiency (10% to 30% of normal serum activity) when found in a compound heterozygous state with a severe pathogenic variant in the BTD gene (Swango et al. 1998). Individuals who are homozygous for the p.Asp444His variant have approximately 50% of mean normal enzyme activity (Pindolia et al. 2010). Untreated individuals with partial biotinidase deficiency are often asymptomatic in the absence of confounding factors such as significant illness. The p.Asp444His variant is reported at a frequency of 0.0758 in the Finnish population of the 1000 Genomes Project. Although this allele frequency appears inconsistent with the disease prevalence, the p.Asp444His variant appears to be a mild variant when found in trans with a severe pathogenic variant, and is only associated with severe biotinidase deficiency when found in cis with a more severe variant and in trans with a severe pathogenic variant. Based on the evidence, the p.Asp444His variant is classified as pathogenic for biotinidase deficiency. This variant was observed by ICSL as part of a predisposition screen in an ostensibly healthy population.

Eurofins Ntd Llc (ga)
Classification: Pathogenic. Last evaluated: 2016-06-20. Review status: criteria provided, single submitter. Criteria: EGL Classification Definitions. Collection method: clinical testing. Allele origin: germline. Observed: 167 variant alleles, 160 heterozygotes, 7 homozygotes.

Genetic Services Laboratory, University of Chicago
Classification: Pathogenic for Biotinidase deficiency. Last evaluated: 2016-04-29. Review status: criteria provided, single submitter. Criteria: ACMG Guidelines, 2015. Collection method: clinical testing. Allele origin: germline. Affected: yes.

Center for Pediatric Genomic Medicine, Children's Mercy Hospital and Clinics
Classification: Pathogenic. Last evaluated: 2015-02-03. Review status: criteria provided, single submitter. Criteria: ACMG Guidelines, 2015. Collection method: clinical testing. Allele origin: germline.

CENTOGENE GmbH and LLC - Guiding Precision Medicine
Classification: Pathogenic for Biotinidase deficiency. Review status: criteria provided, single submitter. Criteria: ACMG Guidelines, 2015. Collection method: clinical testing. Allele origin: germline. Affected: yes.

Juno Genomics, Hangzhou Juno Genomics, Inc
Classification: Pathogenic for Biotinidase deficiency. Review status: criteria provided, single submitter. Criteria: ACMG Guidelines, 2015. Collection method: clinical testing. Allele origin: germline. Affected: yes.
Comment: For recessive disorders, detected in trans with a pathogenic variant.;Patient's phenotype or family history is highly specific for a disease with a single genetic etiology.;Well-established in vitro or in vivo functional studies supportive of a damaging effect on the gene or gene product.

Kariminejad - Najmabadi Pathology & Genetics Center
Classification: Pathogenic for Biotinidase deficiency. Review status: criteria provided, single submitter. Criteria: ACMG Guidelines, 2015. Collection method: clinical testing. Allele origin: germline. Affected: no.

Neuberg Centre For Genomic Medicine, NCGM
Classification: Pathogenic for Biotinidase deficiency. Review status: criteria provided, single submitter. Criteria: ACMG Guidelines, 2015. Collection method: clinical testing. Allele origin: germline. Inheritance: Autosomal dominant inheritance. Affected: yes.

Rady Children's Institute for Genomic Medicine, Rady Children's Hospital San Diego
Classification: Pathogenic for BIOTINIDASE DEFICIENCY. Review status: criteria provided, single submitter. Criteria: ACMG Guidelines, 2015. Collection method: clinical testing. Allele origin: germline. Affected: yes.
Comment: This variant is also known as c.1270G>C (p.Asp424His) when using an alternative transcript (NM_001370658.1). This variant is a common cause of partial biotinidase deficiency (PMID: 10206677, 9654207, 12227467, 23644139); however, it has also been observed in individuals affected with profound biotinidase deficiency when this variant is in cis with another BTD variant, most commonly with the p.Ala171Thr variant, and in trans with a pathogenic variant (PMID: 10206677, 9654207). Functional characterization suggests that individuals who are homozygous for this variant typically have 50% of normal enzyme activity (PMID: 20539236, 28682309, 9654207), which is similar to the activity of unaffected heterozygotes of a profound biotinidase deficiency variant, and do not require biotin therapy (PMID: 20301497). However, homozygous individuals with activities in the partial deficiency range have been reported (PMID: 15060693). Untreated individuals with partial biotinidase deficiency are often asymptomatic in the absence of confounding factors such as significant illness (PMID: 9654207). It is present in the heterozygous state in the gnomAD population database at a frequency of 0.3% (9005/282830), including 199 homozygotes. In silico tools used to predict the effect of this variant on protein function yield discordant results. Based on the available evidence, the c.1330G>C (p.Asp444His) variant is classified as Pathogenic.

Biochemical Molecular Genetic Laboratory, King Abdulaziz Medical City
Classification: Pathogenic for Biotinidase deficiency. Last evaluated: 2020-10-11. Review status: no assertion criteria provided. Collection method: clinical testing. Allele origin: germline. Affected: yes. Not counted in ClinVar's aggregate classification.